The following is an entry in ClinVar:

ClinVar aggregate classification (germline): Benign. Review status: criteria provided, multiple submitters, no conflicts (2 of 4 stars). 10 submissions from 10 submitters: Benign (8). 2 of the submissions do not count toward it. Last evaluated 2026-02-04.

Conditions:
Inborn genetic diseases. Identifiers: MedGen C0950123, MeSH D030342.
Progressive myoclonic epilepsy type 3. Also called: KCTD7-Related Progressive Myoclonic Epilepsy; EPILEPSY, PROGRESSIVE MYOCLONIC, 3, WITH OR WITHOUT INTRACELLULAR INCLUSIONS; CEROID LIPOFUSCINOSIS, NEURONAL, 14; EPILEPSY, PROGRESSIVE MYOCLONIC, 3, WITHOUT INTRACELLULAR INCLUSIONS. Identifiers: Orphanet 263516, MedGen C2673257, MONDO:0012721, OMIM 611726.

Allele frequency attached by ClinVar (database versions not stated): ESP Exome Variant Server 0.00415; gnomAD exomes 0.01004 and 0.02184; TOPMed 0.01063; gnomAD 0.01331 and 0.01460; ExAC 0.02023; 1000 Genomes Project 30x 0.02780; 1000 Genomes Project 0.03075.
gnomAD v4.1: 17,246 of 1,614,114 alleles (1.1%); highest among the groups gnomAD compares: East Asian, 10%; 497 homozygotes.

Submissions (10):

Labcorp Genetics (formerly Invitae), Labcorp
Classification: Benign for Progressive myoclonic epilepsy type 3. Last evaluated: 2026-02-04. Review status: criteria provided, single submitter. Criteria: Invitae Variant Classification Sherloc (09022015). Collection method: clinical testing. Allele origin: germline.

Blueprint Genetics
Classification: Benign. Last evaluated: 2024-11-27. Review status: criteria provided, single submitter. Criteria: ACMG Guidelines, 2015. Collection method: clinical testing. Allele origin: germline.

Illumina Laboratory Services, Illumina
Classification: Benign for Progressive myoclonic epilepsy type 3. Last evaluated: 2018-01-13. Review status: criteria provided, single submitter. Criteria: ICSL Variant Classification Criteria 13 December 2019. Collection method: clinical testing. Allele origin: germline.
Comment: This variant was observed in the ICSL laboratory as part of a predisposition screen in an ostensibly healthy population. It had not been previously curated by ICSL or reported in the Human Gene Mutation Database (HGMD: prior to June 1st, 2018), and was therefore a candidate for classification through an automated scoring system. Utilizing variant allele frequency, disease prevalence and penetrance estimates, and inheritance mode, an automated score was calculated to assess if this variant is too frequent to cause the disease. Based on the score and internal cut-off values, a variant classified as benign is not then subjected to further curation. The score for this variant resulted in a classification of benign for this disease.

Ambry Genetics
Classification: Benign for Inborn genetic diseases. Last evaluated: 2016-02-25. Review status: criteria provided, single submitter. Criteria: Ambry Variant Classification Scheme 2023. Collection method: clinical testing. Allele origin: germline.

Eurofins Ntd Llc (ga)
Classification: Benign. Last evaluated: 2014-10-09. Review status: criteria provided, single submitter. Criteria: EGL Classification Definitions 2015. Collection method: clinical testing. Allele origin: germline. Observed: 2 variant alleles, 2 heterozygotes.

GeneDx
Classification: Benign. Last evaluated: 2013-12-06. Review status: criteria provided, single submitter. Criteria: GeneDx Variant Classification (06012015). Collection method: clinical testing. Allele origin: germline. Affected: yes.
Comment: This variant is considered likely benign or benign based on one or more of the following criteria: it is a conservative change, it occurs at a poorly conserved position in the protein, it is predicted to be benign by multiple in silico algorithms, and/or has population frequency not consistent with disease.

Breakthrough Genomics
Classification: Benign. Review status: criteria provided, single submitter. Criteria: ACMG Guidelines, 2015. Collection method: not provided. Allele origin: germline. Inheritance: Autosomal recessive inheritance. Affected: yes.

PreventionGenetics, part of Exact Sciences
Classification: Benign. Review status: criteria provided, single submitter. Criteria: ACMG Guidelines, 2015. Collection method: clinical testing. Allele origin: germline.

Mayo Clinic Laboratories, Mayo Clinic
Classification: Likely benign. Last evaluated: 2015-10-26. Review status: no assertion criteria provided. Collection method: clinical testing. Allele origin: unknown. Not counted in ClinVar's aggregate classification.

Genetic Services Laboratory, University of Chicago
Classification: Likely benign for AllHighlyPenetrant. Review status: no assertion criteria provided. Collection method: clinical testing. Allele origin: germline. Inheritance: Autosomal recessive inheritance. Not counted in ClinVar's aggregate classification.
Comment: Likely benign based on allele frequency in 1000 Genomes Project or ESP global frequency and its presence in a patient with a rare or unrelated disease phenotype. NOT Sanger confirmed.

NM_153033.5(KCTD7):c.654C>T (p.Asp218=)

Gene: KCTD7 (potassium channel tetramerization domain containing 7; plus strand). Cytogenetic location: 7q11.21.
Variant type: single nucleotide variant.
Coding change: c.654C>T on transcript NM_153033.5 (MANE Select); coding-DNA position 654, C replaced by T.
Protein change: p.Asp218=; no amino-acid change (aspartic acid 218 retained).
Molecular consequence: synonymous variant.
Genome position (GRCh38, 1-based): chr7:66,639,016, C>T. VCF-style: chr7-66639016-C-T. GRCh37 (hg19) VCF-style: chr7-66104003-C-T.
Other names: p.D218D:GAC>GAT; c.654C>T, p.Asp218= (NM_001167961.2).
Identifiers: ClinVar variation 129371 (VCV000129371.31), dbSNP rs117194263, ClinGen allele CA288949.